The following is an entry in ClinVar:

NM_000789.4(ACE):c.3380+2dup

Gene: ACE (angiotensin I converting enzyme; plus strand). Cytogenetic location: 17q23.3.
Variant type: Duplication.
Coding change: c.3380+2dup on transcript NM_000789.4 (MANE Select); the canonical splice donor site of the intron after coding-DNA position 3380, one base duplicated (T; older notation c.3380+2dupT).
Molecular consequence: splice donor variant.
Genome position (GRCh38, 1-based): chr17:63,494,472, T duplicated. VCF-style (leftmost placement, unchanged base first): chr17-63494471-G-GT. GRCh37 (hg19) VCF-style: chr17-61571832-G-GT.
Other names: c.2528+2dup (NM_001382701.1); c.2813+2dup (NM_001382700.1); c.1658+2dup (NM_152830.3, NM_001178057.2); c.1118+2dup (NM_001382702.1).
Identifiers: ClinVar variation 4849690 (VCV004849690.1).

ClinVar aggregate classification (germline): Uncertain significance (1 of 4 stars; one submission).

Conditions:
Renal tubular dysgenesis of genetic origin. Also called: PRIMITIVE RENAL TUBULE SYNDROME. Identifiers: Orphanet 97369, MedGen C5681536, MONDO:0009970, OMIM 267430.

Submission:

Diagnostics Services (NGS), CSIR - Centre For Cellular And Molecular Biology
Classification: Uncertain significance for Renal tubular dysgenesis of genetic origin. Last evaluated: 2026-01-23. Review status: criteria provided, single submitter. Criteria: ACMG Guidelines, 2015. Collection method: clinical testing. Allele origin: germline. Affected: no. Observed: 2 variant alleles, 2 heterozygotes.
Comment: The c.3380+2dup variant is not present in publicly available population databases like 1000 Genomes, EVS, gnomAD, Indian Exome Database or our internal database. This variant has neither been reported in the literature in individuals affected with ACE-related conditions nor reported to the clinical databases like Human Genome Mutation Database (HGMD), ClinVar or OMIM in any affected individuals. Algorithms developed to predict the effect of sequence changes on RNA splicing suggest that this variant can disrupt the consensus splice site. In-silico pathogenicity prediction programs like HSF3.1, MutationTaster2021, CADD, etc predicted this variant to be likely deleterious however these predictions were not confirmed by published functional/translational studies.This variant was identified in a couple as a part carrier screening.